The following is an entry in ClinVar:

ClinVar aggregate classification (germline): Likely benign. Review status: criteria provided, single submitter (1 of 4 stars). 2 submissions from 2 submitters: Likely benign (1). 1 of the submissions does not count toward it. Last evaluated 2024-01-13.

Conditions:
CC2D1A-related disorder. Also called: CC2D1A-related condition.

Allele frequency attached by ClinVar (database versions not stated): gnomAD 0.00001; TOPMed 0.00001; gnomAD exomes 0.00005.
gnomAD v4.1: 73 of 1,610,642 alleles (0.0045%); highest among the groups gnomAD compares: Non-Finnish European, 0.0059%; no homozygotes.

Submissions (2):

Labcorp Genetics (formerly Invitae), Labcorp
Classification: Likely benign. Last evaluated: 2024-01-13. Review status: criteria provided, single submitter. Criteria: Invitae Variant Classification Sherloc (09022015). Collection method: clinical testing. Allele origin: germline.

PreventionGenetics, part of Exact Sciences
Classification: Likely benign for CC2D1A-related condition. Last evaluated: 2019-05-31. Review status: no assertion criteria provided. Collection method: clinical testing. Allele origin: germline. Not counted in ClinVar's aggregate classification.
Comment: This variant is classified as likely benign based on ACMG/AMP sequence variant interpretation guidelines (Richards et al. 2015 PMID: 25741868, with internal and published modifications).

NM_017721.5(CC2D1A):c.819C>T (p.His273=)

Gene: CC2D1A (coiled-coil and C2 domain containing 1A; plus strand). Cytogenetic location: 19p13.12.
Variant type: single nucleotide variant.
Coding change: c.819C>T on transcript NM_017721.5 (MANE Select); coding-DNA position 819, C replaced by T.
Protein change: p.His273=; no amino-acid change (histidine 273 retained).
Molecular consequence: synonymous variant.
Genome position (GRCh38, 1-based): chr19:13,918,140, C>T. VCF-style: chr19-13918140-C-T. GRCh37 (hg19) VCF-style: chr19-14028953-C-T.
Other names: c.819C>T (NM_017721.4); c.819C>T, p.His273= (NM_001411138.1).
Identifiers: ClinVar variation 2817874 (VCV002817874.5), dbSNP rs1252107252, ClinGen allele CA505677259.